The following is an entry in ClinVar:

ClinVar aggregate classification (germline): Likely benign. Review status: criteria provided, multiple submitters, no conflicts (2 of 4 stars). 5 submissions from 5 submitters: Likely benign (5). Last evaluated 2025-12-15.

Conditions:
Oto-palato-digital syndrome, type II (OPD2). Also called: OPD II SYNDROME; FACIOPALATOOSSEOUS SYNDROME; Otopalatodigital Syndrome Type 2 (FLNA-OPD2); Otopalatodigital Syndrome, Type II. Identifiers: Orphanet 669, Orphanet 90652, MedGen C1844696, MONDO:0010571, OMIM 304120.
Heterotopia, periventricular, X-linked dominant (PVNH1). Also called: PERIVENTRICULAR NODULAR HETEROTOPIA 1; X-linked periventricular heterotopia; PERIVENTRICULAR NODULAR HETEROTOPIA 4; HETEROTOPIA, PERIVENTRICULAR, 1. Identifiers: Orphanet 2149, Orphanet 82004, MedGen C1848213, MONDO:0010233, OMIM 300049.
Frontometaphyseal dysplasia (FMD1). Identifiers: Orphanet 1826, MedGen C0265293, MONDO:0015942.
Melnick-Needles syndrome (MNS). Also called: MELNICK-NEEDLES OSTEODYSPLASTY; OSTEODYSPLASTY OF MELNICK AND NEEDLES; Melnick-Needles Syndrome (FLNA-MNS). Identifiers: Orphanet 2484, MedGen C0025237, MONDO:0010650, OMIM 309350.
Familial thoracic aortic aneurysm and aortic dissection (TAAD). Also called: Thoracic aortic aneurysms and dissections. Identifiers: Orphanet 91387, MedGen C4707243, MONDO:0019625.

Allele frequency attached by ClinVar (database versions not stated): gnomAD 0.00002; gnomAD exomes 0.00002 and 0.00003; TOPMed 0.00002; ExAC 0.00005.
gnomAD v4.1: 22 of 1,205,376 alleles (0.0018%); highest among the groups gnomAD compares: Middle Eastern, 0.023%; no homozygotes.

Submissions (5):

Labcorp Genetics (formerly Invitae), Labcorp
Classification: Likely benign for Oto-palato-digital syndrome, type II; Heterotopia, periventricular, X-linked dominant; Frontometaphyseal dysplasia; Melnick-Needles syndrome. Last evaluated: 2025-12-15. Review status: criteria provided, single submitter. Criteria: Invitae Variant Classification Sherloc (09022015). Collection method: clinical testing. Allele origin: germline.

Mayo Clinic Laboratories, Mayo Clinic
Classification: Likely benign. Last evaluated: 2025-07-30. Review status: criteria provided, single submitter. Criteria: ACMG Guidelines, 2015. Collection method: clinical testing. Allele origin: germline. Observed: 2 variant alleles.
Comment: BP4, BP7

Blueprint Genetics
Classification: Likely benign. Last evaluated: 2023-04-21. Review status: criteria provided, single submitter. Criteria: ACMG Guidelines, 2015. Collection method: clinical testing. Allele origin: germline.

GeneDx
Classification: Likely benign. Last evaluated: 2021-04-26. Review status: criteria provided, single submitter. Criteria: GeneDx Variant Classification Process June 2021. Collection method: clinical testing. Allele origin: germline. Affected: yes.

Ambry Genetics
Classification: Likely benign for Familial thoracic aortic aneurysm and aortic dissection. Last evaluated: 2018-06-22. Review status: criteria provided, single submitter. Criteria: Ambry Variant Classification Scheme 2023. Collection method: clinical testing. Allele origin: germline.

NM_001110556.2(FLNA):c.2331C>T (p.Pro777=)

Gene: FLNA (filamin A; minus strand). Cytogenetic location: Xq28.
Variant type: single nucleotide variant.
Coding change: c.2331C>T on transcript NM_001110556.2 (MANE Select); coding-DNA position 2331, C replaced by T.
Protein change: p.Pro777=; no amino-acid change (proline 777 retained).
Molecular consequence: synonymous variant.
Genome position (GRCh38, 1-based): chrX:154,362,734, G>A on the plus strand (C>T on the coding strand, the complement: FLNA is on the minus strand). VCF-style: chrX-154362734-G-A. GRCh37 (hg19) VCF-style: chrX-153591102-G-A.
Other names: p.Pro777=; c.2331C>T, p.Pro777= (NM_001456.4).
Identifiers: ClinVar variation 1144337 (VCV001144337.15), dbSNP rs782780604, ClinGen allele CA10560953.